The following is an entry in ClinVar:

ClinVar aggregate classification (germline): Uncertain significance. Review status: criteria provided, multiple submitters, no conflicts (2 of 4 stars). 2 submissions from 2 submitters: Uncertain significance (2). Last evaluated 2025-12-09.

Conditions:
Inborn genetic diseases. Identifiers: MedGen C0950123, MeSH D030342.

gnomAD v4.1: 1 of 1,539,898 alleles (0.000065%); highest among the groups gnomAD compares: African/African-American, 0.0014%; no homozygotes.

Submissions (2):

Dasa
Classification: Uncertain significance. Last evaluated: 2025-12-09. Review status: criteria provided, single submitter. Criteria: DASA Assertion Criteria. Collection method: clinical testing. Allele origin: germline.
Comment: NM_172107.4(KCNQ2):c.2269G>A (p.Gly757Arg) is a missense variant that results in the substitution of glycine with arginine. This variant is rare in population databases. The currently available literature and clinical evidence are not sufficient to establish a definitive association between this variant and the reported condition. Therefore, this variant is classified as a variant of uncertain significance.

Ambry Genetics
Classification: Uncertain significance for Inborn genetic diseases. Last evaluated: 2025-10-02. Review status: criteria provided, single submitter. Criteria: Ambry Variant Classification Scheme 2023. Collection method: clinical testing. Allele origin: germline.

NM_172107.4(KCNQ2):c.2269G>A (p.Gly757Arg)

Gene: KCNQ2 (potassium voltage-gated channel subfamily Q member 2; minus strand). Cytogenetic location: 20q13.33.
Variant type: single nucleotide variant.
Coding change: c.2269G>A on transcript NM_172107.4 (MANE Select); coding-DNA position 2269, G replaced by A.
Protein change: p.Gly757Arg; replaces glycine 757 with arginine.
Molecular consequence: missense variant.
Genome position (GRCh38, 1-based): chr20:63,406,994, C>T on the plus strand (G>A on the coding strand, the complement: KCNQ2 is on the minus strand). VCF-style: chr20-63406994-C-T. GRCh37 (hg19) VCF-style: chr20-62038347-C-T.
Other names: c.2323G>A, p.Gly775Arg (NM_001382235.1); c.2212G>A, p.Gly738Arg (NM_001439003.1); c.2182G>A, p.Gly728Arg (NM_001439004.1); c.2185G>A, p.Gly729Arg (NM_004518.6); c.2215G>A, p.Gly739Arg (NM_172106.3); c.2176G>A, p.Gly726Arg (NM_172108.5); short protein forms G729R, G738R, G728R, G775R, G739R, G726R, G757R.
Identifiers: ClinVar variation 4622561 (VCV004622561.3).